The following is an entry in ClinVar:

NM_014956.5(CEP164):c.4176G>C (p.Arg1392=)

Gene: CEP164 (centrosomal protein 164; plus strand). Cytogenetic location: 11q23.3.
Variant type: single nucleotide variant.
Coding change: c.4176G>C on transcript NM_014956.5 (MANE Select); coding-DNA position 4176, G replaced by C.
Protein change: p.Arg1392=; no amino-acid change (arginine 1392 retained).
Molecular consequence: synonymous variant.
Genome position (GRCh38, 1-based): chr11:117,411,807, G>C. VCF-style: chr11-117411807-G-C. GRCh37 (hg19) VCF-style: chr11-117282523-G-C.
Other names: c.4161G>C, p.Arg1387= (NM_001271933.2); c.4182G>C, p.Arg1394= (NM_001440949.1); c.4176G>C, p.Arg1392= (NM_001440950.1, NM_001440951.1); c.4167G>C, p.Arg1389= (NM_001440952.1); c.4152G>C, p.Arg1384= (NM_001440953.1); c.4098G>C, p.Arg1366= (NM_001440954.1, NM_001440955.1); c.4089G>C, p.Arg1363= (NM_001440956.1); c.4086G>C, p.Arg1362= (NM_001440957.1); and 21 more.
Identifiers: ClinVar variation 4986436 (VCV004986436.1).
Genomic context (GRCh38, chr11:117,411,807, plus strand): 5'-TTCCGCGCCTCCTCTCTCCCCTCGCCATGCTCTCCTCTTCCTTCCCAGTGAGCAGCTCCG[G>C]CTCCTACAGCACTCCCATTCGCAAGTCCCTGAGGCGGGCAGCACCACCTTTCAGGGCATA-3'
Protein context (NP_055771.4, residues 1382-1402): LGYMSASEQL[Arg1392=]LLQHSHSQVP

ClinVar aggregate classification (germline): Likely benign (1 of 4 stars; one submission).

Conditions:
CEP164-related disorder. Also called: CEP164-related condition.

gnomAD v4.1: 1 of 1,614,122 alleles (0.000062%); highest among the groups gnomAD compares: Admixed American, 0.0017%; no homozygotes.

Submission:

PreventionGenetics, part of Exact Sciences
Classification: Likely benign for CEP164-related condition. Last evaluated: 2025-09-09. Review status: criteria provided, single submitter. Criteria: ACMG Guidelines, 2015. Collection method: clinical testing. Allele origin: germline.
Comment: This variant is classified as likely benign based on ACMG/AMP sequence variant interpretation guidelines (Richards et al. 2015 PMID: 25741868, with internal and published modifications).